The following is an entry in ClinVar:

NM_080826.2(ISM1):c.690C>T (p.Ser230=)

Genes: ISM1 (isthmin 1; plus strand), TASP1 (taspase 1; minus strand). Cytogenetic location: 20p12.1.
Variant type: single nucleotide variant.
Coding change: c.690C>T on transcript NM_080826.2 (MANE Select); coding-DNA position 690, C replaced by T.
Protein change: p.Ser230=; no amino-acid change (serine 230 retained).
Molecular consequence: synonymous variant.
Genome position (GRCh38, 1-based): chr20:13,288,586, C>T. VCF-style: chr20-13288586-C-T. GRCh37 (hg19) VCF-style: chr20-13269233-C-T.
Identifiers: ClinVar variation 3053477 (VCV003053477.2), dbSNP rs1349671057, ClinGen allele CA509779818.
Genomic context (GRCh38, chr20:13,288,586, plus strand): 5'-TGGCTGTCTTCCAGATTCCACAGATGGCGAGGGTGACTGGAGTCTCTGGTCTGTCTGCAG[C>T]GTCACCTGCGGGAACGGCAACCAGAAACGGACCCGGTCTTGTGGCTACGCGTGCACTGCA-3'
Protein context (NP_543016.1, residues 220-240): EGDWSLWSVC[Ser230=]VTCGNGNQKR

ClinVar aggregate classification (germline): Likely benign (0 of 4 stars; one submission).

Conditions:
ISM1-related disorder. Also called: ISM1-related condition.

Allele frequency attached by ClinVar (database versions not stated): gnomAD exomes below 0.00001; TOPMed below 0.00001; gnomAD 0.00001.
gnomAD v4.1: 4 of 1,613,814 alleles (0.00025%); highest among the groups gnomAD compares: Non-Finnish European, 0.00025%; no homozygotes.

Submission:

PreventionGenetics, part of Exact Sciences
Classification: Likely benign for ISM1-related condition. Last evaluated: 2019-08-27. Review status: no assertion criteria provided. Collection method: clinical testing. Allele origin: germline.
Comment: This variant is classified as likely benign based on ACMG/AMP sequence variant interpretation guidelines (Richards et al. 2015 PMID: 25741868, with internal and published modifications).